The following is an entry in ClinVar:

ClinVar aggregate classification (germline): Likely benign (0 of 4 stars; one submission).

Conditions:
PREX2-related disorder. Also called: PREX2-related condition.

Allele frequency attached by ClinVar (database versions not stated): gnomAD 0.00021; gnomAD exomes 0.00024; ExAC 0.00036; 1000 Genomes Project 0.00040; TOPMed 0.00043; 1000 Genomes Project 30x 0.00047.
gnomAD v4.1: 411 of 1,612,394 alleles (0.025%); highest among the groups gnomAD compares: Middle Eastern, 0.25%; 1 homozygote.

Submission:

PreventionGenetics, part of Exact Sciences
Classification: Likely benign for PREX2-related condition. Last evaluated: 2019-11-25. Review status: no assertion criteria provided. Collection method: clinical testing. Allele origin: germline.
Comment: This variant is classified as likely benign based on ACMG/AMP sequence variant interpretation guidelines (Richards et al. 2015 PMID: 25741868, with internal and published modifications).

NM_024870.4(PREX2):c.4566C>T (p.Gly1522=)

Gene: PREX2 (phosphatidylinositol-3,4,5-trisphosphate dependent Rac exchange factor 2; plus strand). Cytogenetic location: 8q13.2.
Variant type: single nucleotide variant.
Coding change: c.4566C>T on transcript NM_024870.4 (MANE Select); coding-DNA position 4566, C replaced by T.
Protein change: p.Gly1522=; no amino-acid change (glycine 1522 retained).
Molecular consequence: synonymous variant.
Genome position (GRCh38, 1-based): chr8:68,192,487, C>T. VCF-style: chr8-68192487-C-T. GRCh37 (hg19) VCF-style: chr8-69104722-C-T.
Identifiers: ClinVar variation 3045183 (VCV003045183.2), dbSNP rs61753705, ClinGen allele CA4774824.
Genomic context (GRCh38, chr8:68,192,487, plus strand): 5'-TTGCAGTGCTTCTGGGGTTGGACTGCTGTCAGTTTCCTCGGAGCTGTGCAACAGGCTGGG[C>T]GCCTGCCACATCATCATGTGCAGCAGCGGTGTGCATCGGTATGTGACCCTCCCGCCTTGC-3'
Protein context (NP_079146.2, residues 1512-1532): SVSSELCNRL[Gly1522=]ACHIIMCSSG